The following is an entry in ClinVar:

NM_004415.4(DSP):c.3064_3065del (p.Lys1022fs)

Gene: DSP (desmoplakin; plus strand). Cytogenetic location: 6p24.3.
Variant type: Deletion.
Coding change: c.3064_3065del on transcript NM_004415.4 (MANE Select); coding-DNA positions 3064 to 3065, 2 bases deleted (AA; older notation c.3064_3065delAA).
Protein change: p.Lys1022fs; shifts the reading frame from lysine 1022.
Molecular consequence: frameshift variant.
Genome position (GRCh38, 1-based): chr6:7,578,542-7,578,543, AA deleted. VCF-style (leftmost placement, unchanged base first): chr6-7578541-GAA-G. GRCh37 (hg19) VCF-style: chr6-7578774-GAA-G.
Other names: c.3064_3065del, p.Lys1022fs (NM_001008844.3, NM_001319034.2); short protein forms K1022fs.
Identifiers: ClinVar variation 2945195 (VCV002945195.3), dbSNP rs2533919967, ClinGen allele CA2740094249.

ClinVar aggregate classification (germline): Pathogenic (1 of 4 stars; one submission).

Conditions:
Arrhythmogenic cardiomyopathy with wooly hair and keratoderma. Also called: Dilated cardiomyopathy with woolly hair and keratoderma; PALMOPLANTAR KERATODERMA WITH LEFT VENTRICULAR CARDIOMYOPATHY AND WOOLLY HAIR; Carvajal syndrome; Arrhythmogenic cardiomyopathy with woolly hair and keratoderma. Identifiers: Orphanet 65282, MedGen C1854063, MONDO:0011581, OMIM 605676.
Arrhythmogenic right ventricular dysplasia 8 (ARVD8). Also called: Arrhythmogenic Right Ventricular Dysplasia/Cardiomyopathy 8; ARRHYTHMOGENIC RIGHT VENTRICULAR DYSPLASIA, FAMILIAL, 8; ARRHYTHMOGENIC RIGHT VENTRICULAR CARDIOMYOPATHY 8. Identifiers: MedGen C1843896, MONDO:0011831, OMIM 607450.

Submission:

Labcorp Genetics (formerly Invitae), Labcorp
Classification: Pathogenic for Arrhythmogenic cardiomyopathy with wooly hair and keratoderma; Arrhythmogenic right ventricular dysplasia 8. Last evaluated: 2023-03-09. Review status: criteria provided, single submitter. Criteria: Invitae Variant Classification Sherloc (09022015). Collection method: clinical testing. Allele origin: germline.
Comment: This sequence change creates a premature translational stop signal (p.Lys1022Glufs*31) in the DSP gene. It is expected to result in an absent or disrupted protein product. Loss-of-function variants in DSP are known to be pathogenic (PMID: 20716751, 24503780, 25227139). This variant is not present in population databases (gnomAD no frequency). This variant has not been reported in the literature in individuals affected with DSP-related conditions. For these reasons, this variant has been classified as Pathogenic.

Literature cited by the submitters: PubMed 20716751; PubMed 24503780; PubMed 25227139.